The following is an entry in ClinVar:

NM_006859.4(LIAS):c.807G>T (p.Gln269His)

Gene: LIAS (lipoic acid synthetase; plus strand). Cytogenetic location: 4p14.
Variant type: single nucleotide variant.
Coding change: c.807G>T on transcript NM_006859.4 (MANE Select); coding-DNA position 807, G replaced by T.
Protein change: p.Gln269His; replaces glutamine 269 with histidine.
Molecular consequence: missense variant.
Genome position (GRCh38, 1-based): chr4:39,470,088, G>T. VCF-style: chr4-39470088-G-T. GRCh37 (hg19) VCF-style: chr4-39471708-G-T.
Other names: c.807G>T (NM_006859.2); c.678G>T, p.Gln226His (NM_001278590.2); c.498G>T, p.Gln166His (NM_001363700.2); c.807G>T, p.Gln269His (NM_194451.3); short protein forms Q269H, Q226H, Q166H.
Identifiers: ClinVar variation 939251 (VCV000939251.8), dbSNP rs140846573, ClinGen allele CA2894777.

ClinVar aggregate classification (germline): Uncertain significance. Review status: criteria provided, multiple submitters, no conflicts (2 of 4 stars). 2 submissions from 2 submitters: Uncertain significance (2). Last evaluated 2025-10-22.

Conditions:
Inborn genetic diseases. Identifiers: MedGen C0950123, MeSH D030342.
Lipoic acid synthetase deficiency. Also called: HYPERGLYCINEMIA, LACTIC ACIDOSIS, AND SEIZURES. Identifiers: Orphanet 401859, MedGen C3280887, MONDO:0013762, OMIM 614462.

Allele frequency attached by ClinVar (database versions not stated): TOPMed 0.00002.
gnomAD v4.1: 17 of 1,613,870 alleles (0.0011%); highest among the groups gnomAD compares: Non-Finnish European, 0.0014%; no homozygotes.

Submissions (2):

Ambry Genetics
Classification: Uncertain significance for Inborn genetic diseases. Last evaluated: 2025-10-22. Review status: criteria provided, single submitter. Criteria: Ambry Variant Classification Scheme 2023. Collection method: clinical testing. Allele origin: germline.

Labcorp Genetics (formerly Invitae), Labcorp
Classification: Uncertain significance for Lipoic acid synthetase deficiency. Last evaluated: 2022-07-14. Review status: criteria provided, single submitter. Criteria: Invitae Variant Classification Sherloc (09022015). Collection method: clinical testing. Allele origin: germline.
Comment: This sequence change replaces glutamine, which is neutral and polar, with histidine, which is basic and polar, at codon 269 of the LIAS protein (p.Gln269His). This variant is present in population databases (rs140846573, gnomAD 0.002%). This variant has not been reported in the literature in individuals affected with LIAS-related conditions. ClinVar contains an entry for this variant (Variation ID: 939251). Algorithms developed to predict the effect of missense changes on protein structure and function (SIFT, PolyPhen-2, Align-GVGD) all suggest that this variant is likely to be tolerated. In summary, the available evidence is currently insufficient to determine the role of this variant in disease. Therefore, it has been classified as a Variant of Uncertain Significance.